The following is an entry in ClinVar:

ClinVar aggregate classification (germline): Conflicting classifications of pathogenicity. Review status: criteria provided, conflicting classifications (1 of 4 stars). 7 submissions from 7 submitters: Uncertain significance (6); Likely benign (1). Last evaluated 2026-01-04.

Conditions:
Classic or attenuated familial adenomatous polyposis. Identifiers: MedGen CN372698, MONDO:0021057.
Hereditary cancer-predisposing syndrome. Also called: Neoplastic Syndromes, Hereditary; Hereditary Cancer Syndrome; Tumor predisposition; Hereditary neoplastic syndrome. Identifiers: Orphanet 140162, MedGen C0027672, MeSH D009386, MONDO:0015356.
Familial adenomatous polyposis 1 (FAP1). Also called: POLYPOSIS, ADENOMATOUS INTESTINAL; FAMILIAL ADENOMATOUS POLYPOSIS 1, ATTENUATED. Identifiers: MedGen C2713442, MONDO:0021056, OMIM 175100. Disease mechanism: loss of function.

Allele frequency attached by ClinVar (database versions not stated): gnomAD 0.00001; gnomAD exomes 0.00001; ExAC 0.00002; TOPMed 0.00002; ESP Exome Variant Server 0.00015.
gnomAD v4.1: 16 of 1,613,930 alleles (0.00099%); highest among the groups gnomAD compares: Non-Finnish European, 0.0013%; no homozygotes.

Submissions (7):

Labcorp Genetics (formerly Invitae), Labcorp
Classification: Uncertain significance for Familial adenomatous polyposis 1. Last evaluated: 2026-01-04. Review status: criteria provided, single submitter. Criteria: Invitae Variant Classification Sherloc (09022015). Collection method: clinical testing. Allele origin: germline.
Comment: This sequence change replaces asparagine, which is neutral and polar, with lysine, which is basic and polar, at codon 1142 of the APC protein (p.Asn1142Lys). This variant is present in population databases (rs375478525, gnomAD 0.003%). This variant has not been reported in the literature in individuals affected with APC-related conditions. ClinVar contains an entry for this variant (Variation ID: 141774). Invitae Evidence Modeling of protein sequence and biophysical properties (such as structural, functional, and spatial information, amino acid conservation, physicochemical variation, residue mobility, and thermodynamic stability) indicates that this missense variant is not expected to disrupt APC protein function with a negative predictive value of 95%. In summary, the available evidence is currently insufficient to determine the role of this variant in disease. Therefore, it has been classified as a Variant of Uncertain Significance.

Color Diagnostics, LLC DBA Color Health
Classification: Uncertain significance for Hereditary cancer-predisposing syndrome. Last evaluated: 2025-06-30. Review status: criteria provided, single submitter. Criteria: ACMG Guidelines, 2015. Collection method: clinical testing. Allele origin: germline.
Comment: This missense variant replaces asparagine with lysine at codon 1142 of the APC protein. Computational prediction suggests that this variant may not impact protein structure and function. To our knowledge, functional studies have not been reported for this variant. This variant has not been reported in individuals affected with APC-related disorders in the literature. This variant has been identified in 3/250980 chromosomes in the general population by the Genome Aggregation Database (gnomAD). The available evidence is insufficient to determine the role of this variant in disease conclusively. Therefore, this variant is classified as a Variant of Uncertain Significance.

Ambry Genetics
Classification: Likely benign for Hereditary cancer-predisposing syndrome. Last evaluated: 2024-07-25. Review status: criteria provided, single submitter. Criteria: Ambry Variant Classification Scheme 2023. Collection method: clinical testing. Allele origin: germline.

Blueprint Genetics
Classification: Uncertain significance. Last evaluated: 2024-06-05. Review status: criteria provided, single submitter. Criteria: ACMG Guidelines, 2015. Collection method: clinical testing. Allele origin: germline.

All of Us Research Program, National Institutes of Health
Classification: Uncertain significance for Classic or attenuated familial adenomatous polyposis. Last evaluated: 2023-08-28. Review status: criteria provided, single submitter. Criteria: ACMG Guidelines, 2015. Collection method: clinical testing. Allele origin: germline. Inheritance: Autosomal dominant inheritance. Observed: 2 variant alleles, 2 heterozygotes.
Comment: This missense variant replaces asparagine with lysine at codon 1142 of the APC protein. Computational prediction suggests that this variant may not impact protein structure and function (internally defined REVEL score threshold <= 0.5, PMID: 27666373). To our knowledge, functional studies have not been reported for this variant. This variant has not been reported in individuals affected with hereditary cancer in the literature. This variant has been identified in 3/250980 chromosomes in the general population by the Genome Aggregation Database (gnomAD). The available evidence is insufficient to determine the role of this variant in disease conclusively. Therefore, this variant is classified as a Variant of Uncertain Significance.

This study involves interpretation of variants in research participants for the purpose of population health screening. Participant phenotype was not available at the time of variant classification. Additional details can be found in publication PMID: 35346344, PMCID: PMC8962531

Quest Diagnostics Nichols Institute San Juan Capistrano
Classification: Uncertain significance. Last evaluated: 2021-07-20. Review status: criteria provided, single submitter. Criteria: Quest Diagnostics criteria. Collection method: clinical testing. Allele origin: unknown.

GeneDx
Classification: Uncertain significance. Last evaluated: 2017-06-05. Review status: criteria provided, single submitter. Criteria: GeneDx Variant Classification (06012015). Collection method: clinical testing. Allele origin: germline. Affected: yes.
Comment: This variant is denoted APC c.3426T>A at the cDNA level, p.Asn1142Lys (N1142K) at the protein level, and results in the change of an Asparagine to a Lysine (AAT>AAA). This variant has not, to our knowledge, been published in the literature as pathogenic or benign. APC Asn1142Lys was not observed at a significant allele frequency in large population cohorts (NHLBI Exome Sequencing Project, The 1000 Genomes Consortium 2015, Lek 2016). Since Asparagine and Lysine differ in some properties, this is considered a semi-conservative amino acid substitution. APC Asn1142Lys occurs at a position that is conserved across species and is located in a Beta-catenin binding domain (Azzopardi 2008). In silico analyses are inconsistent regarding the effect this variant may have on protein structure and function. Based on currently available information, it is unclear whether APC Asn1142Lys is pathogenic or benign. We consider it to be a variant of uncertain significance.

Literature cited by the submitters: PubMed 30267214 (cited by Ambry Genetics).

NM_000038.6(APC):c.3426T>A (p.Asn1142Lys)

Gene: APC (APC regulator of Wnt signaling pathway; plus strand). Cytogenetic location: 5q22.2.
Variant type: single nucleotide variant.
Coding change: c.3426T>A on transcript NM_000038.6 (MANE Select); coding-DNA position 3426, T replaced by A.
Protein change: p.Asn1142Lys; replaces asparagine 1142 with lysine.
Molecular consequence: missense variant.
Genome position (GRCh38, 1-based): chr5:112,839,020, T>A. VCF-style: chr5-112839020-T-A. GRCh37 (hg19) VCF-style: chr5-112174717-T-A.
Other names: c.3426T>A, p.Asn1142Lys (NM_001127510.3, NM_001354895.2); c.3372T>A, p.Asn1124Lys (NM_001127511.3); c.3480T>A, p.Asn1160Lys (NM_001354896.2); c.3456T>A, p.Asn1152Lys (NM_001354897.2); c.3351T>A, p.Asn1117Lys (NM_001354898.2); c.3342T>A, p.Asn1114Lys (NM_001354899.2); c.3303T>A, p.Asn1101Lys (NM_001354900.2); c.3249T>A, p.Asn1083Lys (NM_001354901.2); and 5 more; short protein forms N1124K, N1142K, N1041K, N1051K, N1117K, N1016K, N1083K, N1152K.
Identifiers: ClinVar variation 141774 (VCV000141774.24), dbSNP rs375478525, ClinGen allele CA008381.